The following is an entry in ClinVar:

ClinVar aggregate classification (germline): Pathogenic (1 of 4 stars; one submission).

Submission:

Labcorp Genetics (formerly Invitae), Labcorp
Classification: Pathogenic. Last evaluated: 2025-06-24. Review status: criteria provided, single submitter. Criteria: Invitae Variant Classification Sherloc (09022015). Collection method: clinical testing. Allele origin: germline.
Comment: This sequence change creates a premature translational stop signal (p.Pro398Leufs*76) in the COL4A5 gene. It is expected to result in an absent or disrupted protein product. Loss-of-function variants in COL4A5 are known to be pathogenic (PMID: 9195222, 10752524, 14514738, 24854265, 26809805). This variant is not present in population databases (gnomAD no frequency). This variant has not been reported in the literature in individuals affected with COL4A5-related conditions. For these reasons, this variant has been classified as Pathogenic.

Literature cited by the submitters: PubMed 9195222; PubMed 10752524; PubMed 14514738; PubMed 24854265; PubMed 26809805.

NM_033380.3(COL4A5):c.1193del (p.Pro398fs)

Gene: COL4A5 (collagen type IV alpha 5 chain; plus strand). Cytogenetic location: Xq22.3.
Variant type: Deletion.
Coding change: c.1193del on transcript NM_033380.3 (MANE Select); coding-DNA position 1193, one base deleted (C; older notation c.1193delC).
Protein change: p.Pro398fs; shifts the reading frame from proline 398.
Molecular consequence: frameshift variant.
Genome position (GRCh38, 1-based): chrX:108,591,085, C deleted; the last of 3 consecutive C bases (chrX:108,591,083-108,591,085); deleting any one gives the same sequence. VCF-style (leftmost placement, unchanged base first): chrX-108591082-GC-G. GRCh37 (hg19) VCF-style: chrX-107834312-GC-G.
Other names: c.1193del, p.Pro398fs (NM_000495.5); short protein forms P398fs.
Identifiers: ClinVar variation 4722052 (VCV004722052.1).